The following is an entry in ClinVar:

ClinVar aggregate classification (germline): Uncertain significance (1 of 4 stars; one submission).

Conditions:
Lipodystrophy, partial, acquired, susceptibility to (APLD). Also called: APLD, SUSCEPTIBILITY TO. Identifiers: MedGen C3887501, MONDO:0100476, OMIM 608709.
Progressive myoclonic epilepsy type 9. Identifiers: Orphanet 457265, MedGen C4225289, MONDO:0014685, OMIM 616540.

Submission:

Labcorp Genetics (formerly Invitae), Labcorp
Classification: Uncertain significance for Progressive myoclonic epilepsy type 9; Lipodystrophy, partial, acquired, susceptibility to. Last evaluated: 2021-01-21. Review status: criteria provided, single submitter. Criteria: Invitae Variant Classification Sherloc (09022015). Collection method: clinical testing. Allele origin: germline.
Comment: In summary, the available evidence is currently insufficient to determine the role of this variant in disease. Therefore, it has been classified as a Variant of Uncertain Significance. The current clinical and genetic evidence is not sufficient to establish whether loss-of-function variants in LMNB2 cause disease. This sequence change affects an acceptor splice site in intron 3 of the LMNB2 gene. It is expected to disrupt RNA splicing and likely results in an absent or disrupted protein product. This variant is not present in population databases (ExAC no frequency). This variant has not been reported in the literature in individuals with LMNB2-related conditions. Algorithms developed to predict the effect of sequence changes on RNA splicing suggest that this variant may disrupt the consensus splice site, but this prediction has not been confirmed by published transcriptional studies.

NM_032737.4(LMNB2):c.559-2A>G

Gene: LMNB2 (lamin B2; minus strand). Cytogenetic location: 19p13.3.
Variant type: single nucleotide variant.
Coding change: c.559-2A>G on transcript NM_032737.4 (MANE Select); the canonical splice acceptor site of the intron before coding-DNA position 559, A replaced by G.
Molecular consequence: splice acceptor variant.
Genome position (GRCh38, 1-based): chr19:2,438,290, T>C on the plus strand (A>G on the coding strand, the complement: LMNB2 is on the minus strand). VCF-style: chr19-2438290-T-C. GRCh37 (hg19) VCF-style: chr19-2438288-T-C.
Identifiers: ClinVar variation 1025898 (VCV001025898.7), dbSNP rs1971851890, ClinGen allele CA403257361.